The following is an entry in ClinVar:

NM_001081.4(CUBN):c.289G>A (p.Gly97Arg)

Gene: CUBN (cubilin; minus strand). Cytogenetic location: 10p13.
Variant type: single nucleotide variant.
Coding change: c.289G>A on transcript NM_001081.4 (MANE Select); coding-DNA position 289, G replaced by A.
Protein change: p.Gly97Arg; replaces glycine 97 with arginine.
Molecular consequence: missense variant.
Genome position (GRCh38, 1-based): chr10:17,127,888, C>T on the plus strand (G>A on the coding strand, the complement: CUBN is on the minus strand). VCF-style: chr10-17127888-C-T. GRCh37 (hg19) VCF-style: chr10-17169887-C-T.
Other names: short protein forms G97R.
Identifiers: ClinVar variation 1375404 (VCV001375404.7), dbSNP rs763105241, ClinGen allele CA5425735.

ClinVar aggregate classification (germline): Uncertain significance (1 of 4 stars; one submission).

Conditions:
Imerslund-Grasbeck syndrome. Also called: Imerslund-Gräsbeck syndrome; ENTEROCYTE COBALAMIN MALABSORPTION; ENTEROCYTE INTRINSIC FACTOR RECEPTOR, DEFECT OF; PERNICIOUS ANEMIA, JUVENILE, DUE TO SELECTIVE INTESTINAL MALABSORPTION OF VITAMIN B12, WITH PROTEINURIA; Megaloblastic anemia due to inborn errors of metabolism. Identifiers: Orphanet 35858, MedGen C4551825, MONDO:0009853.

Allele frequency attached by ClinVar (database versions not stated): gnomAD exomes below 0.00001 and 0.00001; ExAC 0.00001; gnomAD 0.00001; TOPMed 0.00002.
gnomAD v4.1: 8 of 1,611,618 alleles (0.0005%); highest among the groups gnomAD compares: Admixed American, 0.0033%; no homozygotes.

Submission:

Labcorp Genetics (formerly Invitae), Labcorp
Classification: Uncertain significance for Imerslund-Grasbeck syndrome. Last evaluated: 2022-09-27. Review status: criteria provided, single submitter. Criteria: Invitae Variant Classification Sherloc (09022015). Collection method: clinical testing. Allele origin: germline.
Comment: This variant is present in population databases (rs763105241, gnomAD 0.006%). This sequence change replaces glycine, which is neutral and non-polar, with arginine, which is basic and polar, at codon 97 of the CUBN protein (p.Gly97Arg). This variant has not been reported in the literature in individuals affected with CUBN-related conditions. ClinVar contains an entry for this variant (Variation ID: 1375404). Advanced modeling of protein sequence and biophysical properties (such as structural, functional, and spatial information, amino acid conservation, physicochemical variation, residue mobility, and thermodynamic stability) performed at Invitae indicates that this missense variant is not expected to disrupt CUBN protein function. In summary, the available evidence is currently insufficient to determine the role of this variant in disease. Therefore, it has been classified as a Variant of Uncertain Significance.